The following is an entry in ClinVar:

ClinVar aggregate classification (germline): Pathogenic (1 of 4 stars; one submission).

Conditions:
Hereditary cancer-predisposing syndrome. Also called: Tumor predisposition; Hereditary Cancer Syndrome; Hereditary neoplastic syndrome; Neoplastic Syndromes, Hereditary. Identifiers: Orphanet 140162, MedGen C0027672, MeSH D009386, MONDO:0015356.

Submission:

Ambry Genetics
Classification: Pathogenic for Hereditary cancer-predisposing syndrome. Last evaluated: 2024-03-01. Review status: criteria provided, single submitter. Criteria: Ambry Variant Classification Scheme 2023. Collection method: clinical testing. Allele origin: germline.
Comment: The p.C132* pathogenic mutation (also known as c.396C>A), located in coding exon 3 of the STK11 gene, results from a C to A substitution at nucleotide position 396. This changes the amino acid from a cysteine to a stop codon within coding exon 3. This variant was reported in multiple individuals with features consistent with Peutz-Jeghers syndrome (Ambry internal data; Olschwang S et al. J. Med. Genet. 2001Jun;38(6):356-60). This variant is considered to be rare based on population cohorts in the Genome Aggregation Database (gnomAD). In addition to the clinical data presented in the literature, this alteration is expected to result in loss of function by premature protein truncation or nonsense-mediated mRNA decay. As such, this alteration is interpreted as a disease-causing mutation.

Literature cited by the submitters: PubMed 11389158; PubMed 12865922.

NM_000455.5(STK11):c.396C>A (p.Cys132Ter)

Gene: STK11 (serine/threonine kinase 11; plus strand). Cytogenetic location: 19p13.3.
Variant type: single nucleotide variant.
Coding change: c.396C>A on transcript NM_000455.5 (MANE Select); coding-DNA position 396, C replaced by A.
Protein change: p.Cys132Ter; replaces cysteine 132 with a stop codon.
Molecular consequence: nonsense.
Genome position (GRCh38, 1-based): chr19:1,219,345, C>A. VCF-style: chr19-1219345-C-A. GRCh37 (hg19) VCF-style: chr19-1219344-C-A.
Other names: short protein forms C132*.
Identifiers: ClinVar variation 182895 (VCV000182895.5), dbSNP rs730881969, ClinGen allele CA022867.